The following is an entry in ClinVar:

NM_005732.4(RAD50):c.3481G>A (p.Glu1161Lys)

Genes: RAD50 (RAD50 double strand break repair protein; plus strand), TH2LCRR (T helper type 2 locus control region associated RNA; minus strand), TH2-LCR (Th2 cytokine locus control region; plus strand). Cytogenetic location: 5q31.1.
Variant type: single nucleotide variant.
Coding change: c.3481G>A on transcript NM_005732.4 (MANE Select); coding-DNA position 3481, G replaced by A.
Protein change: p.Glu1161Lys; replaces glutamic acid 1161 with lysine.
Molecular consequence: missense variant. On other transcripts: non-coding transcript variant (2).
Genome position (GRCh38, 1-based): chr5:132,638,086, G>A. VCF-style: chr5-132638086-G-A. GRCh37 (hg19) VCF-style: chr5-131973778-G-A.
Other names: short protein forms E1161K.
Identifiers: ClinVar variation 480411 (VCV000480411.15), dbSNP rs1554100941, ClinGen allele CA360931038.

ClinVar aggregate classification (germline): Uncertain significance. Review status: criteria provided, multiple submitters, no conflicts (2 of 4 stars). 2 submissions from 2 submitters: Uncertain significance (2). Last evaluated 2022-11-10.

Conditions:
Hereditary cancer-predisposing syndrome. Also called: Hereditary Cancer Syndrome; Neoplastic Syndromes, Hereditary; Tumor predisposition; Hereditary neoplastic syndrome. Identifiers: Orphanet 140162, MedGen C0027672, MeSH D009386, MONDO:0015356.

Allele frequency attached by ClinVar (database versions not stated): gnomAD exomes below 0.00001.

Submissions (2):

Labcorp Genetics (formerly Invitae), Labcorp
Classification: Uncertain significance for Hereditary cancer-predisposing syndrome. Last evaluated: 2022-11-10. Review status: criteria provided, single submitter. Criteria: Invitae Variant Classification Sherloc (09022015). Collection method: clinical testing. Allele origin: germline.
Comment: This sequence change replaces glutamic acid, which is acidic and polar, with lysine, which is basic and polar, at codon 1161 of the RAD50 protein (p.Glu1161Lys). This variant is not present in population databases (gnomAD no frequency). This variant has not been reported in the literature in individuals affected with RAD50-related conditions. ClinVar contains an entry for this variant (Variation ID: 480411). Advanced modeling of protein sequence and biophysical properties (such as structural, functional, and spatial information, amino acid conservation, physicochemical variation, residue mobility, and thermodynamic stability) performed at Invitae indicates that this missense variant is expected to disrupt RAD50 protein function. In summary, the available evidence is currently insufficient to determine the role of this variant in disease. Therefore, it has been classified as a Variant of Uncertain Significance.

Ambry Genetics
Classification: Uncertain significance for Hereditary cancer-predisposing syndrome. Last evaluated: 2016-02-17. Review status: criteria provided, single submitter. Criteria: Ambry Variant Classification Scheme 2023. Collection method: clinical testing. Allele origin: germline.
Comment: The p.E1161K variant (also known as c.3481G>A), located in coding exon 23 of the RAD50 gene, results from a G to A substitution at nucleotide position 3481. The glutamic acid at codon 1161 is replaced by lysine, an amino acid with similar properties. This variant was not reported in population based cohorts in the following databases: Database of Single Nucleotide Polymorphisms (dbSNP), NHLBI Exome Sequencing Project (ESP), and 1000 Genomes Project. In the ESP, this variant was not observed in 6503 samples (13006 alleles) with coverage at this position. To date, this alteration has been detected with an allele frequency of approximately 0.001% (greater than 120000 alleles tested) in our clinical cohort. This amino acid position is highly conserved in available vertebrate species. In addition, this alteration is predicted to be deleterious by in silico analysis. Since supporting evidence is limited at this time, the clinical significance of this alteration remains unclear.